The following is an entry in ClinVar:

NM_000094.4(COL7A1):c.3625_3635del (p.Ser1209fs)

Gene: COL7A1 (collagen type VII alpha 1 chain; minus strand). Cytogenetic location: 3p21.31.
Variant type: Deletion.
Coding change: c.3625_3635del on transcript NM_000094.4 (MANE Select); coding-DNA positions 3625 to 3635, 11 bases deleted (TCTGTCCAGAC).
Protein change: p.Ser1209fs; shifts the reading frame from serine 1209.
Molecular consequence: frameshift variant.
Genome position (GRCh38, 1-based): chr3:48,586,162-48,586,172, GTCTGGACAGA deleted on the plus strand (TCTGTCCAGAC on the coding strand, the reverse complement: COL7A1 is on the minus strand); deleting any 11 consecutive bases within chr3:48,586,162-48,586,175 gives the same sequence; the c. name uses the placement nearest the transcript's 3' end. VCF-style (leftmost placement, unchanged base first): chr3-48586161-GGTCTGGACAGA-G. GRCh37 (hg19) VCF-style: chr3-48623594-GGTCTGGACAGA-G.
Other names: c.3625_3635delTCTGTCCAGAC (NM_000094.3); short protein forms S1209fs.
Identifiers: ClinVar variation 2203378 (VCV002203378.8), dbSNP rs1166683325, ClinGen allele CA907759666.

ClinVar aggregate classification (germline): Pathogenic. Review status: criteria provided, multiple submitters, no conflicts (2 of 4 stars). 4 submissions from 4 submitters: Pathogenic (4). Last evaluated 2026-02-01.

Conditions:
Recessive dystrophic epidermolysis bullosa (RDEB). Also called: DYSTROPHIC EPIDERMOLYSIS BULLOSA, AUTOSOMAL RECESSIVE; EPIDERMOLYSIS BULLOSA DYSTROPHICA, HALLOPEAU-SIEMENS TYPE; Hallopeau-Siemens Disease; severe generalized recessive dystrophic epidermolysis bullosa; EPIDERMOLYSIS BULLOSA DYSTROPHICA, GENERALIZED SEVERE, AUTOSOMAL RECESSIVE; Epidermolysis Bullosa Distrophica Autosomal Recessive (RDEB). Identifiers: Orphanet 79408, Orphanet 79409, MedGen C0079474, MONDO:0009179, OMIM 226600.
Nonsyndromic congenital nail disorder 8. Also called: TOENAIL DYSTROPHY, ISOLATED. Identifiers: MedGen C1843761, MONDO:0011852, OMIM 607523.
Dominant dystrophic epidermolysis bullosa with absence of skin. Also called: EPIDERMOLYSIS BULLOSA WITH CONGENITAL LOCALIZED ABSENCE OF SKIN AND DEFORMITY OF NAILS; EPIDERMOLYSIS BULLOSA DYSTROPHICA, BART TYPE. Identifiers: MedGen C0268371, MONDO:0007557, OMIM 132000.
Transient bullous dermolysis of the newborn (TBDN). Also called: DYSTROPHIC EPIDERMOLYSIS BULLOSA, NEONATAL; EPIDERMOLYSIS BULLOSA DYSTROPHICA, NEONATAL FORM. Identifiers: Orphanet 79411, MedGen C1851573, MONDO:0007548, OMIM 131705.
Epidermolysis bullosa pruriginosa. Also called: DEB, PRURIGINOSA; DYSTROPHIC EPIDERMOLYSIS BULLOSA PRURIGINOSA. Identifiers: Orphanet 89843, MedGen C1275114, MONDO:0011398, OMIM 604129.
Pretibial dystrophic epidermolysis bullosa. Also called: EPIDERMOLYSIS BULLOSA DYSTROPHICA, PRETIBIAL; Pretibial epidermolysis bullosa; Pretibial blistering. Identifiers: Orphanet 79410, MedGen C0432321, MONDO:0007552, OMIM 131850, HP:0012221.
Generalized dominant dystrophic epidermolysis bullosa (DDEB). Also called: DDEB, generalized; DDEB-gen; DYSTROPHIC EPIDERMOLYSIS BULLOSA, AUTOSOMAL DOMINANT; Epidermolysis bullosa dystrophica, autosomal dominant; Dominant DEB (DDEB). Identifiers: Orphanet 231568, MedGen C0432322, MONDO:0007549, OMIM 131750.
Epidermolysis bullosa dystrophica. Also called: Dystrophic epidermolysis bullosa, Hallopeau-Siemens type (formerly); Dystrophic epidermolysis bullosa. Identifiers: Orphanet 303, MedGen C0079294, MONDO:0006543.

Submissions (4):

Myriad Genetics, Inc.
Classification: Pathogenic for Recessive dystrophic epidermolysis bullosa. Last evaluated: 2026-02-01. Review status: criteria provided, single submitter. Criteria: Myriad Autosomal Dominant, Autosomal Recessive and X-Linked Classification Criteria (2023). Collection method: clinical testing. Allele origin: unknown.
Comment: NM_000094.3(COL7A1):c.3625_3635del11(S1209Lfs*6) is expected to be pathogenic in the context of dystrophic epidermolysis bullosa. This variant is predicted to lead to an abnormal or absent protein product due to the creation of a premature termination codon in COL7A1, a gene where loss-of-function variants are known to be pathogenic. Please note: this variant was assessed in the context of healthy population screening.

Natera, Inc.
Classification: Pathogenic for Dystrophic epidermolysis bullosa. Last evaluated: 2025-08-15. Review status: criteria provided, single submitter. Criteria: Natera Variant Classification Schema (03/2026). Collection method: clinical testing. Allele origin: germline.
Comment: The c.3625_3635delTCTGTCCAGAC variant in COL7A1 is a frameshift variant predicted to shift the reading frame beginning at codon 1209 and leads to a stop codon 6 codons downstream. This variant is expected to result in nonsense mediated decay, truncation, or a dysfunctional protein product. This variant is rare in the general population with a frequency below the threshold expected for the associated phenotype(s). This variant has been observed in one or more individuals affected with the associated recessive disease, as either homozygous or compound heterozygous with a second variant (PMID: 32484238). Given the available evidence, this variant is classified as Pathogenic.

Labcorp Genetics (formerly Invitae), Labcorp
Classification: Pathogenic. Last evaluated: 2023-04-08. Review status: criteria provided, single submitter. Criteria: Invitae Variant Classification Sherloc (09022015). Collection method: clinical testing. Allele origin: germline.
Comment: This premature translational stop signal has been observed in individual(s) with autosomal recessive epidermolysis bullosa dystrophica (PMID: 32484238, 34046686). For these reasons, this variant has been classified as Pathogenic. ClinVar contains an entry for this variant (Variation ID: 2203378). This variant is not present in population databases (gnomAD no frequency). This sequence change creates a premature translational stop signal (p.Ser1209Leufs*6) in the COL7A1 gene. It is expected to result in an absent or disrupted protein product. Loss-of-function variants in COL7A1 are known to be pathogenic (PMID: 16971478).

Juno Genomics, Hangzhou Juno Genomics, Inc
Classification: Pathogenic for Recessive dystrophic epidermolysis bullosa; Generalized dominant dystrophic epidermolysis bullosa; Dominant dystrophic epidermolysis bullosa with absence of skin; Nonsyndromic congenital nail disorder 8; Epidermolysis bullosa pruriginosa; Pretibial dystrophic epidermolysis bullosa; Transient bullous dermolysis of the newborn. Review status: criteria provided, single submitter. Criteria: ACMG Guidelines, 2015. Collection method: clinical testing. Allele origin: germline. Affected: yes.
Comment: Absent from controls (or at extremely low frequency if recessive) in Genome Aggregation Database, Exome Sequencing Project, 1000 Genomes Project, or Exome Aggregation Consortium.;Null variant in a gene where loss of function (LOF) is a known mechanism of disease.;For recessive disorders, detected in trans with a pathogenic variant.;Patient's phenotype or family history is highly specific for a disease with a single genetic etiology.

Literature cited by the submitters: PubMed 32484238 (cited by Natera, Inc. and Labcorp Genetics (formerly Invitae), Labcorp); PubMed 34046686 (cited by Labcorp Genetics (formerly Invitae), Labcorp); PubMed 16971478 (cited by Labcorp Genetics (formerly Invitae), Labcorp).